The following is an entry in ClinVar:

NM_144997.7(FLCN):c.1455G>T (p.Lys485Asn)

Gene: FLCN (folliculin; minus strand). Cytogenetic location: 17p11.2.
Variant type: single nucleotide variant.
Coding change: c.1455G>T on transcript NM_144997.7 (MANE Select); coding-DNA position 1455, G replaced by T.
Protein change: p.Lys485Asn; replaces lysine 485 with asparagine.
Molecular consequence: missense variant.
Genome position (GRCh38, 1-based): chr17:17,215,068, C>A on the plus strand (G>T on the coding strand, the complement: FLCN is on the minus strand). VCF-style: chr17-17215068-C-A. GRCh37 (hg19) VCF-style: chr17-17118382-C-A.
Other names: c.1509G>T, p.Lys503Asn (NM_001353229.2); c.1455G>T, p.Lys485Asn (NM_001353230.2, NM_001353231.2); short protein forms K485N, K503N.
Identifiers: ClinVar variation 1773046 (VCV001773046.2), dbSNP rs2046870259, ClinGen allele CA398530989.

ClinVar aggregate classification (germline): Uncertain significance (1 of 4 stars; one submission).

Conditions:
Hereditary cancer-predisposing syndrome. Also called: Hereditary Cancer Syndrome; Hereditary neoplastic syndrome; Neoplastic Syndromes, Hereditary; Tumor predisposition. Identifiers: Orphanet 140162, MedGen C0027672, MeSH D009386, MONDO:0015356.

Allele frequency attached by ClinVar (database versions not stated): gnomAD exomes below 0.00001.

Submission:

Ambry Genetics
Classification: Uncertain significance for Hereditary cancer-predisposing syndrome. Last evaluated: 2022-04-28. Review status: criteria provided, single submitter. Criteria: Ambry Variant Classification Scheme 2023. Collection method: clinical testing. Allele origin: germline.
Comment: The p.K485N variant (also known as c.1455G>T), located in coding exon 10 of the FLCN gene, results from a G to T substitution at nucleotide position 1455. The lysine at codon 485 is replaced by asparagine, an amino acid with similar properties. This amino acid position is conserved. In addition, the in silico prediction for this alteration is inconclusive. Since supporting evidence is limited at this time, the clinical significance of this alteration remains unclear.